The following is an entry in ClinVar:

NM_000127.3(EXT1):c.117A>G (p.Glu39=)

Gene: EXT1 (exostosin glycosyltransferase 1; minus strand). Cytogenetic location: 8q24.11.
Variant type: single nucleotide variant.
Coding change: c.117A>G on transcript NM_000127.3 (MANE Select); coding-DNA position 117, A replaced by G.
Protein change: p.Glu39=; no amino-acid change (glutamic acid 39 retained).
Molecular consequence: synonymous variant.
Genome position (GRCh38, 1-based): chr8:118,110,930, T>C on the plus strand (A>G on the coding strand, the complement: EXT1 is on the minus strand). VCF-style: chr8-118110930-T-C. GRCh37 (hg19) VCF-style: chr8-119123169-T-C.
Other names: p.Glu39=.
Identifiers: ClinVar variation 255170 (VCV000255170.15), dbSNP rs78429222, ClinGen allele CA4854416.

ClinVar aggregate classification (germline): Benign. Review status: criteria provided, multiple submitters, no conflicts (2 of 4 stars). 6 submissions from 6 submitters: Benign (6). Last evaluated 2026-02-03.

Conditions:
Exostoses, multiple, type 1 (EXT1). Also called: Hereditary Multiple Osteochondromatosis, Type I; EXOSTOSES, MULTIPLE, TYPE I. Identifiers: MedGen CN263289, MONDO:0007585, OMIM 133700.
Multiple congenital exostosis (EXT). Also called: Multiple exostoses; Hereditary multiple osteochondromas; Multiple osteochondromas; MULTIPLE CARTILAGINOUS EXOSTOSES; Hereditary multiple exostoses; Hereditary multiple exostosis. Identifiers: Orphanet 321, MedGen C0015306, MONDO:0005508, HP:0002762.

Allele frequency attached by ClinVar (database versions not stated): gnomAD exomes 0.00070; ExAC 0.00186; gnomAD 0.00558; 1000 Genomes Project 30x 0.00593; ESP Exome Variant Server 0.00623; 1000 Genomes Project 0.00639; TOPMed 0.00649.
gnomAD v4.1: 1,973 of 1,613,936 alleles (0.12%); highest among the groups gnomAD compares: African/African-American, 2%; 20 homozygotes.

Submissions (6):

Labcorp Genetics (formerly Invitae), Labcorp
Classification: Benign for Multiple congenital exostosis. Last evaluated: 2026-02-03. Review status: criteria provided, single submitter. Criteria: Invitae Variant Classification Sherloc (09022015). Collection method: clinical testing. Allele origin: germline.

Mayo Clinic Laboratories, Mayo Clinic
Classification: Benign. Last evaluated: 2025-07-29. Review status: criteria provided, single submitter. Criteria: ACMG Guidelines, 2015. Collection method: clinical testing. Allele origin: germline. Observed: 1 variant allele.
Comment: BS1, BP4, BP7

KCCC/NGS Laboratory, Kuwait Cancer Control Center
Classification: Benign for Exostoses, multiple, type 1. Last evaluated: 2023-07-07. Review status: criteria provided, single submitter. Criteria: ACMG Guidelines, 2015. Collection method: clinical testing. Allele origin: germline. Affected: yes.

GeneDx
Classification: Benign. Last evaluated: 2016-10-03. Review status: criteria provided, single submitter. Criteria: GeneDx Variant Classification (06012015). Collection method: clinical testing. Allele origin: germline. Affected: yes.
Comment: This variant is considered likely benign or benign based on one or more of the following criteria: it is a conservative change, it occurs at a poorly conserved position in the protein, it is predicted to be benign by multiple in silico algorithms, and/or has population frequency not consistent with disease.

Breakthrough Genomics
Classification: Benign. Review status: criteria provided, single submitter. Criteria: ACMG Guidelines, 2015. Collection method: not provided. Allele origin: germline. Inheritance: Autosomal dominant inheritance. Affected: yes.

PreventionGenetics, part of Exact Sciences
Classification: Benign. Review status: criteria provided, single submitter. Criteria: ACMG Guidelines, 2015. Collection method: clinical testing. Allele origin: germline.